The following is an entry in ClinVar:

NM_006343.3(MERTK):c.154del (p.Ser52fs)

Gene: MERTK (MER proto-oncogene, tyrosine kinase; plus strand). Cytogenetic location: 2q13.
Variant type: Deletion.
Coding change: c.154del on transcript NM_006343.3 (MANE Select); coding-DNA position 154, one base deleted (T; older notation c.154delT).
Protein change: p.Ser52fs; shifts the reading frame from serine 52.
Molecular consequence: frameshift variant.
Genome position (GRCh38, 1-based): chr2:111,929,212, T deleted. VCF-style (leftmost placement, unchanged base first): chr2-111929211-AT-A. GRCh37 (hg19) VCF-style: chr2-112686788-AT-A.
Other names: short protein forms S52fs.
Identifiers: ClinVar variation 1075717 (VCV001075717.7), dbSNP rs1371550108, ClinGen allele CA535178246.

ClinVar aggregate classification (germline): Pathogenic (1 of 4 stars; one submission).

Allele frequency attached by ClinVar (database versions not stated): gnomAD exomes below 0.00001; gnomAD 0.00001; TOPMed 0.00001.

Submission:

Labcorp Genetics (formerly Invitae), Labcorp
Classification: Pathogenic. Last evaluated: 2022-07-05. Review status: criteria provided, single submitter. Criteria: Invitae Variant Classification Sherloc (09022015). Collection method: clinical testing. Allele origin: germline.
Comment: For these reasons, this variant has been classified as Pathogenic. ClinVar contains an entry for this variant (Variation ID: 1075717). This variant has not been reported in the literature in individuals affected with MERTK-related conditions. This variant is present in population databases (no rsID available, gnomAD 0.007%). This sequence change creates a premature translational stop signal (p.Ser52Profs*12) in the MERTK gene. It is expected to result in an absent or disrupted protein product. Loss-of-function variants in MERTK are known to be pathogenic (PMID: 24265693, 29659094).

Literature cited by the submitters: PubMed 24265693; PubMed 29659094.